The following is an entry in ClinVar:

NM_000293.3(PHKB):c.518A>G (p.Asn173Ser)

Gene: PHKB (phosphorylase kinase regulatory subunit beta; plus strand). Cytogenetic location: 16q12.1.
Variant type: single nucleotide variant.
Coding change: c.518A>G on transcript NM_000293.3 (MANE Select); coding-DNA position 518, A replaced by G.
Protein change: p.Asn173Ser; replaces asparagine 173 with serine.
Molecular consequence: missense variant.
Genome position (GRCh38, 1-based): chr16:47,515,525, A>G. VCF-style: chr16-47515525-A-G. GRCh37 (hg19) VCF-style: chr16-47549436-A-G.
Other names: p.Asn173Ser; c.497A>G (NM_001031835.2); c.497A>G, p.Asn166Ser (NM_001031835.3); c.518A>G, p.Asn173Ser (NM_001363837.1); short protein forms N173S, N166S.
Identifiers: ClinVar variation 198068 (VCV000198068.50), dbSNP rs139738333, ClinGen allele CA246558.
Genomic context (GRCh38, chr16:47,515,525, plus strand): 5'-TTTATAACTTGTTTTGGTTGTTTCCTTTAACCTTTTAATGTTTCTGTTTGTTGCAGATAA[A>G]TGCAGTGTCACTTTATCTCCTTTACCTTGTGGAAATGATTTCCTCAGGACTCCAGATTAT-3'
Protein context (NP_000284.1, residues 163-183): SYEEYGHLQI[Asn173Ser]AVSLYLLYLV

ClinVar aggregate classification (germline): Conflicting classifications of pathogenicity. Review status: criteria provided, conflicting classifications (1 of 4 stars). 8 submissions from 8 submitters: Uncertain significance (4); Likely benign (3). 1 of the submissions does not count toward it. Last evaluated 2026-09-01.

Conditions:
PHKB-related disorder. Also called: PHKB-related condition.
Glycogen storage disease IXb (GSD9B). Also called: GLYCOGENOSIS OF LIVER AND MUSCLE, AUTOSOMAL RECESSIVE; GSD IXb; PHOSPHORYLASE KINASE DEFICIENCY OF LIVER AND MUSCLE, AUTOSOMAL RECESSIVE. Identifiers: Orphanet 79240, MedGen C0543514, MONDO:0009868, OMIM 261750.

Allele frequency attached by ClinVar (database versions not stated): 1000 Genomes Project 30x 0.00047; 1000 Genomes Project 0.00060; ExAC 0.00177; gnomAD exomes 0.00179 and 0.00239; gnomAD 0.00202 and 0.00205; TOPMed 0.00213; ESP Exome Variant Server 0.00215.
gnomAD v4.1: 3,302 of 1,386,756 alleles (0.24%); highest among the groups gnomAD compares: Non-Finnish European, 0.3%; 9 homozygotes.

Submissions (8):

CeGaT Center for Human Genetics Tuebingen
Classification: Likely benign. Last evaluated: 2026-09-01. Review status: criteria provided, single submitter. Criteria: CeGaT Center For Human Genetics Tuebingen Variant Classification Criteria Version 2. Collection method: clinical testing. Allele origin: germline. Affected: yes. Observed: 9 variant alleles.
Comment: PHKB: BS2

Labcorp Genetics (formerly Invitae), Labcorp
Classification: Likely benign for Glycogen storage disease IXb. Last evaluated: 2026-02-01. Review status: criteria provided, single submitter. Criteria: Invitae Variant Classification Sherloc (09022015). Collection method: clinical testing. Allele origin: germline.

Mayo Clinic Laboratories, Mayo Clinic
Classification: Uncertain significance. Last evaluated: 2025-09-29. Review status: criteria provided, single submitter. Criteria: ACMG Guidelines, 2015. Collection method: clinical testing. Allele origin: germline. Observed: 2 variant alleles.
Comment: BS1

Revvity Omics, Revvity
Classification: Uncertain significance for Glycogen storage disease IXb. Last evaluated: 2024-08-23. Review status: criteria provided, single submitter. Criteria: ACMG Guidelines, 2015. Collection method: clinical testing. Allele origin: germline.

GeneDx
Classification: Likely benign. Last evaluated: 2021-06-05. Review status: criteria provided, single submitter. Criteria: GeneDx Variant Classification Process June 2021. Collection method: clinical testing. Allele origin: germline. Affected: yes.
Comment: In silico analysis, which includes protein predictors and evolutionary conservation, supports that this variant does not alter protein structure/function; Has not been previously published as pathogenic or benign to our knowledge

Illumina Laboratory Services, Illumina
Classification: Uncertain significance for Glycogen storage disease IXb. Last evaluated: 2018-01-13. Review status: criteria provided, single submitter. Criteria: ICSL Variant Classification Criteria 13 December 2019. Collection method: clinical testing. Allele origin: germline.

Eurofins Ntd Llc (ga)
Classification: Uncertain significance. Last evaluated: 2014-10-01. Review status: criteria provided, single submitter. Criteria: EGL Classification Definitions 2015. Collection method: clinical testing. Allele origin: germline. Observed: 1 variant allele, 1 heterozygote.

PreventionGenetics, part of Exact Sciences
Classification: Likely benign for PHKB-related condition. Last evaluated: 2022-06-10. Review status: no assertion criteria provided. Collection method: clinical testing. Allele origin: germline. Not counted in ClinVar's aggregate classification.
Comment: This variant is classified as likely benign based on ACMG/AMP sequence variant interpretation guidelines (Richards et al. 2015 PMID: 25741868, with internal and published modifications).

Literature cited by the submitters: PubMed 37510298 (cited by Mayo Clinic Laboratories, Mayo Clinic).